The following is an entry in ClinVar:

ClinVar aggregate classification (germline): Uncertain significance. Review status: criteria provided, multiple submitters, no conflicts (2 of 4 stars). 2 submissions from 2 submitters: Uncertain significance (2). Last evaluated 2025-11-26.

Conditions:
Inborn genetic diseases. Identifiers: MedGen C0950123, MeSH D030342.

Allele frequency attached by ClinVar (database versions not stated): ExAC 0.00003; gnomAD exomes 0.00003; TOPMed 0.00003; gnomAD 0.00004.
gnomAD v4.1: 85 of 1,613,702 alleles (0.0053%); highest among the groups gnomAD compares: Middle Eastern, 0.017%; no homozygotes.

Submissions (2):

Ambry Genetics
Classification: Uncertain significance for Inborn genetic diseases. Last evaluated: 2025-11-26. Review status: criteria provided, single submitter. Criteria: Ambry Variant Classification Scheme 2023. Collection method: clinical testing. Allele origin: germline.

Labcorp Genetics (formerly Invitae), Labcorp
Classification: Uncertain significance. Last evaluated: 2025-10-21. Review status: criteria provided, single submitter. Criteria: Invitae Variant Classification Sherloc (09022015). Collection method: clinical testing. Allele origin: germline.
Comment: This sequence change replaces valine, which is neutral and non-polar, with leucine, which is neutral and non-polar, at codon 264 of the CSF2RB protein (p.Val264Leu). This variant is present in population databases (rs772126395, gnomAD 0.006%). This variant has not been reported in the literature in individuals affected with CSF2RB-related conditions. ClinVar contains an entry for this variant (Variation ID: 1445617). Invitae Evidence Modeling of protein sequence and biophysical properties (such as structural, functional, and spatial information, amino acid conservation, physicochemical variation, residue mobility, and thermodynamic stability) indicates that this missense variant is expected to disrupt CSF2RB protein function with a positive predictive value of 80%. In summary, the available evidence is currently insufficient to determine the role of this variant in disease. Therefore, it has been classified as a Variant of Uncertain Significance.

NM_000395.3(CSF2RB):c.790G>T (p.Val264Leu)

Gene: CSF2RB (colony stimulating factor 2 receptor subunit beta; plus strand). Cytogenetic location: 22q12.3.
Variant type: single nucleotide variant.
Coding change: c.790G>T on transcript NM_000395.3 (MANE Select); coding-DNA position 790, G replaced by T.
Protein change: p.Val264Leu; replaces valine 264 with leucine.
Molecular consequence: missense variant.
Genome position (GRCh38, 1-based): chr22:36,930,446, G>T. VCF-style: chr22-36930446-G-T. GRCh37 (hg19) VCF-style: chr22-37326488-G-T.
Other names: c.790G>T (NM_000395.2); short protein forms V264L.
Identifiers: ClinVar variation 1445617 (VCV001445617.7), dbSNP rs772126395, ClinGen allele CA10213586.
Genomic context (GRCh38, chr22:36,930,446, plus strand): 5'-CAGCCCCAGAACCTGGAGTGCTTCTTTGACGGGGCCGCCGTGCTCAGCTGCTCCTGGGAG[G>T]TGAGGAAGGAGGTGGCCAGCTCGGTCTCCTTTGGCCTATTCTACAAGCCCAGCCCAGATG-3'
Protein context (NP_000386.1, residues 254-274): GAAVLSCSWE[Val264Leu]RKEVASSVSF